The following is an entry in ClinVar:

NM_001304548.2(CFAP47):c.1318T>C (p.Cys440Arg)

Gene: CFAP47 (cilia and flagella associated protein 47; plus strand). Cytogenetic location: Xp21.1.
Variant type: single nucleotide variant.
Coding change: c.1318T>C on transcript NM_001304548.2 (MANE Select); coding-DNA position 1318, T replaced by C.
Protein change: p.Cys440Arg; replaces cysteine 440 with arginine.
Molecular consequence: missense variant.
Genome position (GRCh38, 1-based): chrX:35,956,104, T>C. VCF-style: chrX-35956104-T-C. GRCh37 (hg19) VCF-style: chrX-35974221-T-C.
Other names: c.1318T>C, p.Cys440Arg (NM_152632.4); short protein forms C440R.
Identifiers: ClinVar variation 3024988 (VCV003024988.22), dbSNP rs150580241, ClinGen allele CA10381602.

ClinVar aggregate classification (germline): Likely benign (1 of 4 stars; one submission).

Allele frequency attached by ClinVar (database versions not stated): TOPMed 0.00007; ExAC 0.00009; ESP Exome Variant Server 0.00009; gnomAD exomes 0.00012.
gnomAD v4.1: 147 of 1,209,659 alleles (0.012%); highest among the groups gnomAD compares: Non-Finnish European, 0.015%; no homozygotes.

Submission:

CeGaT Center for Human Genetics Tuebingen
Classification: Likely benign. Last evaluated: 2024-02-01. Review status: criteria provided, single submitter. Criteria: CeGaT Center For Human Genetics Tuebingen Variant Classification Criteria Version 2. Collection method: clinical testing. Allele origin: germline. Affected: yes. Observed: 1 variant allele.
Comment: CFAP47: BP4, BS2